The following is an entry in ClinVar:

NM_000427.3(LORICRIN):c.391_435del (p.121SSGGGSGCFSSGGGG[1])

Gene: LORICRIN (loricrin cornified envelope precursor protein; plus strand). Cytogenetic location: 1q21.3.
Variant type: Deletion.
Coding change: c.391_435del on transcript NM_000427.3 (MANE Select); coding-DNA positions 391 to 435, 45 bases deleted.
Protein change: p.121SSGGGSGCFSSGGGG[1].
Molecular consequence: inframe deletion.
Genome position (GRCh38, 1-based): chr1:153,261,340-153,261,384, 45 bases deleted; deleting any 45 consecutive bases within chr1:153,261,304-153,261,384 gives the same sequence; the c. name uses the placement nearest the transcript's 3' end. GRCh37 (hg19): chr1:153,233,816-153,233,860.
Identifiers: ClinVar variation 2202746 (VCV002202746.4), dbSNP rs771543033, ClinGen allele CA1114328.

ClinVar aggregate classification (germline): Uncertain significance (1 of 4 stars; one submission).

Submission:

Labcorp Genetics (formerly Invitae), Labcorp
Classification: Uncertain significance. Last evaluated: 2024-08-09. Review status: criteria provided, single submitter. Criteria: Invitae Variant Classification Sherloc (09022015). Collection method: clinical testing. Allele origin: germline.
Comment: This variant, c.391_435del, results in the deletion of 15 amino acid(s) of the LOR protein (p.Ser136_Gly150del), but otherwise preserves the integrity of the reading frame. The frequency data for this variant in the population databases is considered unreliable, as metrics indicate poor data quality at this position in the gnomAD database. This variant has not been reported in the literature in individuals affected with LOR-related conditions. ClinVar contains an entry for this variant (Variation ID: 2202746). Experimental studies and prediction algorithms are not available or were not evaluated, and the functional significance of this variant is currently unknown. In summary, the available evidence is currently insufficient to determine the role of this variant in disease. Therefore, it has been classified as a Variant of Uncertain Significance.